The following is an entry in ClinVar:

NM_152443.3(RDH12):c.630T>G (p.Phe210Leu)

Genes: GPHN (gephyrin; plus strand), RDH12 (retinol dehydrogenase 12; plus strand). Cytogenetic location: 14q24.1.
Variant type: single nucleotide variant.
Coding change: c.630T>G on transcript NM_152443.3 (MANE Select); coding-DNA position 630, T replaced by G.
Protein change: p.Phe210Leu; replaces phenylalanine 210 with leucine.
Molecular consequence: missense variant.
Genome position (GRCh38, 1-based): chr14:67,727,162, T>G. VCF-style: chr14-67727162-T-G. GRCh37 (hg19) VCF-style: chr14-68193879-T-G.
Other names: short protein forms F210L.
Identifiers: ClinVar variation 1348939 (VCV001348939.6), dbSNP rs771268615, ClinGen allele CA390151571.
Genomic context (GRCh38, chr14:67,727,162, plus strand): 5'-CGAGAAGCGCTACAGCAGGGGTTTTGCCTATTGCCACAGCAAGCTGGCCAATGTGCTTTT[T>G]ACTCGTGAGCTGGCCAAGAGGCTCCAAGGTAAGTCTGGAGAAAGAGGAATAGCAAAAATG-3'
Protein context (NP_689656.2, residues 200-220): YCHSKLANVL[Phe210Leu]TRELAKRLQG

ClinVar aggregate classification (germline): Uncertain significance (1 of 4 stars; one submission).

Conditions:
Leber congenital amaurosis 13 (LCA13). Identifiers: MedGen C2675186, MONDO:0012990, OMIM 612712.

gnomAD v4.1: 1 of 1,613,838 alleles (0.000062%); highest among the groups gnomAD compares: Non-Finnish European, 0.000085%; no homozygotes.

Submission:

Labcorp Genetics (formerly Invitae), Labcorp
Classification: Uncertain significance for Leber congenital amaurosis 13. Last evaluated: 2021-10-05. Review status: criteria provided, single submitter. Criteria: Invitae Variant Classification Sherloc (09022015). Collection method: clinical testing. Allele origin: germline.
Comment: This sequence change replaces phenylalanine with leucine at codon 210 of the RDH12 protein (p.Phe210Leu). The phenylalanine residue is highly conserved and there is a small physicochemical difference between phenylalanine and leucine. This variant is not present in population databases (ExAC no frequency). This variant has not been reported in the literature in individuals affected with RDH12-related conditions. Algorithms developed to predict the effect of missense changes on protein structure and function are either unavailable or do not agree on the potential impact of this missense change (SIFT: "Deleterious"; PolyPhen-2: "Probably Damaging"; Align-GVGD: "Class C15"). In summary, the available evidence is currently insufficient to determine the role of this variant in disease. Therefore, it has been classified as a Variant of Uncertain Significance.